The following is an entry in ClinVar:

NM_032444.4(SLX4):c.4824A>G (p.Ser1608=)

Gene: SLX4 (SLX4 structure-specific endonuclease subunit; minus strand). Cytogenetic location: 16p13.3.
Variant type: single nucleotide variant.
Coding change: c.4824A>G on transcript NM_032444.4 (MANE Select); coding-DNA position 4824, A replaced by G.
Protein change: p.Ser1608=; no amino-acid change (serine 1608 retained).
Molecular consequence: synonymous variant.
Genome position (GRCh38, 1-based): chr16:3,583,426, T>C on the plus strand (A>G on the coding strand, the complement: SLX4 is on the minus strand). VCF-style: chr16-3583426-T-C. GRCh37 (hg19) VCF-style: chr16-3633427-T-C.
Identifiers: ClinVar variation 1668806 (VCV001668806.33), dbSNP rs767845523, ClinGen allele CA7865502.

ClinVar aggregate classification (germline): Likely benign. Review status: criteria provided, multiple submitters, no conflicts (2 of 4 stars). 3 submissions from 3 submitters: Likely benign (3). Last evaluated 2025-05-11.

Conditions:
Fanconi anemia complementation group P. Also called: SLX4-Related Fanconi Anemia. Identifiers: Orphanet 84, MedGen C3469542, MONDO:0013499, OMIM 613951.
Fanconi anemia (FA). Also called: Fanconi's anemia. Identifiers: Orphanet 84, MedGen C0015625, MeSH D005199, MONDO:0019391.

Allele frequency attached by ClinVar (database versions not stated): gnomAD exomes below 0.00001; ExAC 0.00001; gnomAD 0.00001; TOPMed 0.00001.
gnomAD v4.1: 63 of 1,613,850 alleles (0.0039%); highest among the groups gnomAD compares: Non-Finnish European, 0.0053%; no homozygotes.

Submissions (3):

Labcorp Genetics (formerly Invitae), Labcorp
Classification: Likely benign for Fanconi anemia. Last evaluated: 2025-05-11. Review status: criteria provided, single submitter. Criteria: Invitae Variant Classification Sherloc (09022015). Collection method: clinical testing. Allele origin: germline.

CeGaT Center for Human Genetics Tuebingen
Classification: Likely benign. Last evaluated: 2023-03-01. Review status: criteria provided, single submitter. Criteria: CeGaT Center For Human Genetics Tuebingen Variant Classification Criteria Version 2. Collection method: clinical testing. Allele origin: germline. Affected: yes. Observed: 1 variant allele.
Comment: SLX4: BP4, BP7

Fulgent Genetics
Classification: Likely benign for Fanconi anemia complementation group P. Last evaluated: 2022-04-26. Review status: criteria provided, single submitter. Criteria: ACMG Guidelines, 2015. Collection method: clinical testing. Allele origin: unknown.